The following is an entry in ClinVar:

ClinVar aggregate classification (germline): Uncertain significance (1 of 4 stars; one submission).

gnomAD v4.1: 1 of 1,580,270 alleles (0.000063%); highest among the groups gnomAD compares: East Asian, 0.0023%; no homozygotes.

Submission:

GeneDx
Classification: Uncertain significance. Last evaluated: 2024-07-01. Review status: criteria provided, single submitter. Criteria: GeneDx Variant Classification Process June 2021. Collection method: clinical testing. Allele origin: germline. Affected: yes.
Comment: Not observed at significant frequency in large population cohorts (gnomAD); In silico analysis indicates that this missense variant does not alter protein structure/function; Has not been previously published as pathogenic or benign to our knowledge.

NM_001080517.3(SETD5):c.3634C>G (p.Pro1212Ala)

Gene: SETD5 (SET domain containing 5; plus strand). Cytogenetic location: 3p25.3.
Variant type: single nucleotide variant.
Coding change: c.3634C>G on transcript NM_001080517.3 (MANE Select); coding-DNA position 3634, C replaced by G.
Protein change: p.Pro1212Ala; replaces proline 1212 with alanine.
Molecular consequence: missense variant.
Genome position (GRCh38, 1-based): chr3:9,475,070, C>G. VCF-style: chr3-9475070-C-G. GRCh37 (hg19) VCF-style: chr3-9516754-C-G.
Other names: c.3340C>G, p.Pro1114Ala (NM_001292043.2, NM_001349451.2); short protein forms P1212A, P1114A.
Identifiers: ClinVar variation 3393560 (VCV003393560.1).